The following is an entry in ClinVar:

ClinVar aggregate classification (germline): Benign (1 of 4 stars; one submission).

Allele frequency attached by ClinVar (database versions not stated): gnomAD 0.71585; TOPMed 0.73705; 1000 Genomes Project 30x 0.81199; 1000 Genomes Project 0.81370.
gnomAD v4.1: 109,451 of 152,006 alleles (72%); highest among the groups gnomAD compares: East Asian, 98%; 40,248 homozygotes.

Submission:

GeneDx
Classification: Benign. Last evaluated: 2018-06-14. Review status: criteria provided, single submitter. Criteria: GeneDx Variant Classification (06012015). Collection method: clinical testing. Allele origin: germline. Affected: yes.
Comment: This variant is considered likely benign or benign based on one or more of the following criteria: it is a conservative change, it occurs at a poorly conserved position in the protein, it is predicted to be benign by multiple in silico algorithms, and/or has population frequency not consistent with disease.

NM_144736.5(NDUFAF7):c.936+317A>C

Gene: NDUFAF7 (NADH:ubiquinone oxidoreductase complex assembly factor 7; plus strand). Cytogenetic location: 2p22.2.
Variant type: single nucleotide variant.
Coding change: c.936+317A>C on transcript NM_144736.5 (MANE Select); 317 bases into the intron after coding-DNA position 936, A replaced by C.
Molecular consequence: intron variant.
Genome position (GRCh38, 1-based): chr2:37,246,512, A>C. VCF-style: chr2-37246512-A-C. GRCh37 (hg19) VCF-style: chr2-37473655-A-C.
Other names: c.936+317A>C (NM_001350024.2); c.723+317A>C (NM_001350027.2); c.855+317A>C (NM_001350025.2); c.642+317A>C (NM_001083946.2).
Identifiers: ClinVar variation 682736 (VCV000682736.1), dbSNP rs759461, ClinGen allele CA45478080.